The following is an entry in ClinVar:

NM_001197104.2(KMT2A):c.9301G>A (p.Val3101Met)

Gene: KMT2A (lysine methyltransferase 2A; plus strand). Cytogenetic location: 11q23.3.
Variant type: single nucleotide variant.
Coding change: c.9301G>A on transcript NM_001197104.2 (MANE Select); coding-DNA position 9301, G replaced by A.
Protein change: p.Val3101Met; replaces valine 3101 with methionine.
Molecular consequence: missense variant.
Genome position (GRCh38, 1-based): chr11:118,505,193, G>A. VCF-style: chr11-118505193-G-A. GRCh37 (hg19) VCF-style: chr11-118375908-G-A.
Other names: c.9391G>A, p.Val3131Met (NM_001412597.1); c.9292G>A, p.Val3098Met (NM_005933.4); short protein forms V3098M, V3101M, V3131M.
Identifiers: ClinVar variation 3687971 (VCV003687971.2).

ClinVar aggregate classification (germline): Uncertain significance (1 of 4 stars; one submission).

gnomAD v4.1: 1 of 1,614,116 alleles (0.000062%); highest among the groups gnomAD compares: Non-Finnish European, 0.000085%; no homozygotes.

Submission:

Labcorp Genetics (formerly Invitae), Labcorp
Classification: Uncertain significance. Last evaluated: 2024-02-08. Review status: criteria provided, single submitter. Criteria: Invitae Variant Classification Sherloc (09022015). Collection method: clinical testing. Allele origin: germline.
Comment: This sequence change replaces valine, which is neutral and non-polar, with methionine, which is neutral and non-polar, at codon 3101 of the KMT2A protein (p.Val3101Met). This variant is not present in population databases (gnomAD no frequency). This variant has not been reported in the literature in individuals affected with KMT2A-related conditions. Advanced modeling of protein sequence and biophysical properties (such as structural, functional, and spatial information, amino acid conservation, physicochemical variation, residue mobility, and thermodynamic stability) has been performed at Invitae for this missense variant, however the output from this modeling did not meet the statistical confidence thresholds required to predict the impact of this variant on KMT2A protein function. In summary, the available evidence is currently insufficient to determine the role of this variant in disease. Therefore, it has been classified as a Variant of Uncertain Significance.